The following is an entry in ClinVar:

ClinVar aggregate classification (germline): Uncertain significance (1 of 4 stars; one submission).

Submission:

GeneDx
Classification: Uncertain significance. Last evaluated: 2024-08-02. Review status: criteria provided, single submitter. Criteria: GeneDx Variant Classification Process June 2021. Collection method: clinical testing. Allele origin: germline. Affected: yes.
Comment: Not observed at significant frequency in large population cohorts (gnomAD); In silico analysis supports that this missense variant does not alter protein structure/function; Has not been previously published as pathogenic or benign to our knowledge

NM_020297.4(ABCC9):c.3358C>T (p.Leu1120Phe)

Gene: ABCC9 (ATP binding cassette subfamily C member 9; minus strand). Cytogenetic location: 12p12.1.
Variant type: single nucleotide variant.
Coding change: c.3358C>T on transcript NM_020297.4 (MANE Select); coding-DNA position 3358, C replaced by T.
Protein change: p.Leu1120Phe; replaces leucine 1120 with phenylalanine.
Molecular consequence: missense variant.
Genome position (GRCh38, 1-based): chr12:21,842,429, G>A on the plus strand (C>T on the coding strand, the complement: ABCC9 is on the minus strand). VCF-style: chr12-21842429-G-A. GRCh37 (hg19) VCF-style: chr12-21995363-G-A.
Other names: c.3358C>T, p.Leu1120Phe (NM_001377273.1, NM_005691.4); c.2491C>T, p.Leu831Phe (NM_001377274.1); short protein forms L1120F, L831F.
Identifiers: ClinVar variation 3603014 (VCV003603014.1).